The following is an entry in ClinVar:

ClinVar aggregate classification (germline): Uncertain significance (1 of 4 stars; one submission).

Submission:

Labcorp Genetics (formerly Invitae), Labcorp
Classification: Uncertain significance. Last evaluated: 2022-04-06. Review status: criteria provided, single submitter. Criteria: Invitae Variant Classification Sherloc (09022015). Collection method: clinical testing. Allele origin: germline.
Comment: In summary, the available evidence is currently insufficient to determine the role of this variant in disease. Therefore, it has been classified as a Variant of Uncertain Significance. Algorithms developed to predict the effect of sequence changes on RNA splicing suggest that this variant is not likely to affect RNA splicing. This variant has not been reported in the literature in individuals affected with EIF2B3-related conditions. This variant is not present in population databases (gnomAD no frequency). This sequence change affects codon 219 of the EIF2B3 mRNA. It is a 'silent' change, meaning that it does not change the encoded amino acid sequence of the EIF2B3 protein. It affects a nucleotide within the consensus splice site.

NM_020365.5(EIF2B3):c.657G>T (p.Gly219=)

Gene: EIF2B3 (eukaryotic translation initiation factor 2B subunit gamma; minus strand). Cytogenetic location: 1p34.1.
Variant type: single nucleotide variant.
Coding change: c.657G>T on transcript NM_020365.5 (MANE Select); coding-DNA position 657, G replaced by T.
Protein change: p.Gly219=; no amino-acid change (glycine 219 retained).
Molecular consequence: synonymous variant.
Genome position (GRCh38, 1-based): chr1:44,881,739, C>A on the plus strand (G>T on the coding strand, the complement: EIF2B3 is on the minus strand). VCF-style: chr1-44881739-C-A. GRCh37 (hg19) VCF-style: chr1-45347411-C-A.
Other names: c.657G>T, p.Gly219= (NM_001166588.3, NM_001261418.2).
Identifiers: ClinVar variation 2088191 (VCV002088191.4), dbSNP rs759920851, ClinGen allele CA417479505.